The following is an entry in ClinVar:

NM_005228.5(EGFR):c.1374T>A (p.Asp458Glu)

Gene: EGFR (epidermal growth factor receptor; plus strand). Cytogenetic location: 7p11.2.
Variant type: single nucleotide variant.
Coding change: c.1374T>A on transcript NM_005228.5 (MANE Select); coding-DNA position 1374, T replaced by A.
Protein change: p.Asp458Glu; replaces aspartic acid 458 with glutamic acid.
Molecular consequence: missense variant.
Genome position (GRCh38, 1-based): chr7:55,160,214, T>A. VCF-style: chr7-55160214-T-A. GRCh37 (hg19) VCF-style: chr7-55227907-T-A.
Other names: c.1239T>A, p.Asp413Glu (NM_001346897.2, NM_001346899.2); c.1374T>A, p.Asp458Glu (NM_001346898.2, NM_201282.2, NM_201284.2); c.1215T>A, p.Asp405Glu (NM_001346900.2); c.573T>A, p.Asp191Glu (NM_001346941.2); short protein forms D405E, D413E, D458E, D191E.
Identifiers: ClinVar variation 3670708 (VCV003670708.2).

ClinVar aggregate classification (germline): Uncertain significance (1 of 4 stars; one submission).

Conditions:
EGFR-related lung cancer (EGFR). Identifiers: MedGen CN130014.

gnomAD v4.1: 1 of 1,614,088 alleles (0.000062%); highest among the groups gnomAD compares: Non-Finnish European, 0.000085%; no homozygotes.

Submission:

Labcorp Genetics (formerly Invitae), Labcorp
Classification: Uncertain significance for EGFR-related lung cancer. Last evaluated: 2025-11-19. Review status: criteria provided, single submitter. Criteria: Invitae Variant Classification Sherloc (09022015). Collection method: clinical testing. Allele origin: germline.
Comment: This sequence change replaces aspartic acid, which is acidic and polar, with glutamic acid, which is acidic and polar, at codon 458 of the EGFR protein (p.Asp458Glu). This variant is not present in population databases (gnomAD no frequency). This variant has not been reported in the literature in individuals affected with EGFR-related conditions. ClinVar contains an entry for this variant (Variation ID: 3670708). Invitae Evidence Modeling of protein sequence and biophysical properties (such as structural, functional, and spatial information, amino acid conservation, physicochemical variation, residue mobility, and thermodynamic stability) indicates that this missense variant is not expected to disrupt EGFR protein function with a negative predictive value of 80%. In summary, the available evidence is currently insufficient to determine the role of this variant in disease. Therefore, it has been classified as a Variant of Uncertain Significance.